The following is an entry in ClinVar:

ClinVar aggregate classification (germline): Benign. Review status: criteria provided, multiple submitters, no conflicts (2 of 4 stars). 3 submissions from 3 submitters: Benign (3). Last evaluated 2025-06-13.

Conditions:
Schnyder crystalline corneal dystrophy (SCCD). Also called: Crystalline corneal dystrophy; Schnyder corneal dystrophy. Identifiers: Orphanet 98967, MedGen C0271287, MONDO:0007374, OMIM 121800.

Allele frequency attached by ClinVar (database versions not stated): ExAC 0.00082; 1000 Genomes Project 30x 0.00265; gnomAD 0.00315 and 0.00340; gnomAD exomes 0.00028 and 0.00071; ESP Exome Variant Server 0.00400; 1000 Genomes Project 0.00260; TOPMed 0.00350.

Submissions (3):

Labcorp Genetics (formerly Invitae), Labcorp
Classification: Benign. Last evaluated: 2025-06-13. Review status: criteria provided, single submitter. Criteria: Invitae Variant Classification Sherloc (09022015). Collection method: clinical testing. Allele origin: germline.

Illumina Laboratory Services, Illumina
Classification: Benign for Schnyder crystalline corneal dystrophy. Last evaluated: 2018-01-12. Review status: criteria provided, single submitter. Criteria: ICSL Variant Classification Criteria 13 December 2019. Collection method: clinical testing. Allele origin: germline.
Comment: This variant was observed in the ICSL laboratory as part of a predisposition screen in an ostensibly healthy population. It had not been previously curated by ICSL or reported in the Human Gene Mutation Database (HGMD: prior to June 1st, 2018), and was therefore a candidate for classification through an automated scoring system. Utilizing variant allele frequency, disease prevalence and penetrance estimates, and inheritance mode, an automated score was calculated to assess if this variant is too frequent to cause the disease. Based on the score and internal cut-off values, a variant classified as benign is not then subjected to further curation. The score for this variant resulted in a classification of benign for this disease.

Breakthrough Genomics
Classification: Benign. Review status: criteria provided, single submitter. Criteria: ACMG Guidelines, 2015. Collection method: not provided. Allele origin: germline. Inheritance: Autosomal dominant inheritance. Affected: yes.

NM_013319.3(UBIAD1):c.867C>T (p.Thr289=)

Gene: UBIAD1 (UbiA prenyltransferase domain containing 1; plus strand). Cytogenetic location: 1p36.22.
Variant type: single nucleotide variant.
Coding change: c.867C>T on transcript NM_013319.3 (MANE Select); coding-DNA position 867, C replaced by T.
Protein change: p.Thr289=; no amino-acid change (threonine 289 retained).
Molecular consequence: synonymous variant. On other transcripts: intron variant (2).
Genome position (GRCh38, 1-based): chr1:11,285,981, C>T. VCF-style: chr1-11285981-C-T. GRCh37 (hg19) VCF-style: chr1-11346038-C-T.
Other names: c.618+249C>T (NM_001330349.2); c.530-8892C>T (NM_001330350.2).
Identifiers: ClinVar variation 291864 (VCV000291864.9), dbSNP rs113307594, ClinGen allele CA591245.